The following is an entry in ClinVar:

ClinVar aggregate classification (germline): Uncertain significance (0 of 4 stars; one submission).

Conditions:
LYST-related disorder. Also called: LYST-related condition.

Allele frequency attached by ClinVar (database versions not stated): TOPMed below 0.00001; gnomAD 0.00001; gnomAD exomes 0.00001; ExAC 0.00002.
gnomAD v4.1: 9 of 1,613,964 alleles (0.00056%); highest among the groups gnomAD compares: Non-Finnish European, 0.00076%; no homozygotes.

Submission:

PreventionGenetics, part of Exact Sciences
Classification: Uncertain significance for LYST-related condition. Last evaluated: 2024-07-17. Review status: no assertion criteria provided. Collection method: clinical testing. Allele origin: germline.
Comment: The LYST c.10222G>A variant is predicted to result in the amino acid substitution p.Gly3408Arg. This variant was reported in the compound heterozygous state in two siblings with Chediak-Higashi syndrome (Gil-Krzewska et al. 2016. PubMed ID: 26478006). This variant is reported in 0.0033% of alleles in individuals of South Asian descent in gnomAD. Although we suspect that this variant may be pathogenic, at this time, the clinical significance of this variant is uncertain due to the absence of conclusive functional and genetic evidence.

NM_000081.4(LYST):c.10222G>A (p.Gly3408Arg)

Gene: LYST (lysosomal trafficking regulator; minus strand). Cytogenetic location: 1q42.3.
Variant type: single nucleotide variant.
Coding change: c.10222G>A on transcript NM_000081.4 (MANE Select); coding-DNA position 10222, G replaced by A.
Protein change: p.Gly3408Arg; replaces glycine 3408 with arginine.
Molecular consequence: missense variant.
Genome position (GRCh38, 1-based): chr1:235,702,899, C>T on the plus strand (G>A on the coding strand, the complement: LYST is on the minus strand). VCF-style: chr1-235702899-C-T. GRCh37 (hg19) VCF-style: chr1-235866199-C-T.
Other names: c.10222G>A, p.Gly3408Arg (NM_001301365.1); short protein forms G3408R.
Identifiers: ClinVar variation 3055537 (VCV003055537.2), dbSNP rs778714751, ClinGen allele CA1465417.
Genomic context (GRCh38, chr1:235,702,899, plus strand): 5'-TGAGCTTGGCTCCAGGTCTGCTCACATGGGCCATGTGGAACAGCTGACGGGGAGTCTGCC[C>T]GTAGGTTTTTATCATGGTTTCTAGCGCTCGTCTCTGAACTGGATCTTCAACTGCAGAGAC-3'
Protein context (NP_000072.2, residues 3398-3418): RALETMIKTY[Gly3408Arg]QTPRQLFHMA